The following is an entry in ClinVar:

NM_177438.3(DICER1):c.1123C>T (p.Pro375Ser)

Gene: DICER1 (dicer 1, ribonuclease III; minus strand). Cytogenetic location: 14q32.13.
Variant type: single nucleotide variant.
Coding change: c.1123C>T on transcript NM_177438.3 (MANE Select); coding-DNA position 1123, C replaced by T.
Protein change: p.Pro375Ser; replaces proline 375 with serine.
Molecular consequence: missense variant.
Genome position (GRCh38, 1-based): chr14:95,124,449, G>A on the plus strand (C>T on the coding strand, the complement: DICER1 is on the minus strand). VCF-style: chr14-95124449-G-A. GRCh37 (hg19) VCF-style: chr14-95590786-G-A.
Other names: c.1123C>T, p.Pro375Ser (NM_001195573.1, NM_001271282.3, NM_001291628.2 and 1 more transcripts); short protein forms P375S.
Identifiers: ClinVar variation 818380 (VCV000818380.15), dbSNP rs1595439411, ClinGen allele CA390886911.

ClinVar aggregate classification (germline): Uncertain significance. Review status: criteria provided, multiple submitters, no conflicts (2 of 4 stars). 2 submissions from 2 submitters: Uncertain significance (2). Last evaluated 2025-05-28.

Conditions:
DICER1-related tumor predisposition. Also called: DICER1-related pleuropulmonary blastoma cancer predisposition syndrome; DICER1 syndrome. Identifiers: Orphanet 284343, MedGen C3839822, MONDO:0100216.
Hereditary cancer-predisposing syndrome. Also called: Hereditary Cancer Syndrome; Neoplastic Syndromes, Hereditary; Hereditary neoplastic syndrome; Tumor predisposition. Identifiers: Orphanet 140162, MedGen C0027672, MeSH D009386, MONDO:0015356.

Allele frequency attached by ClinVar (database versions not stated): TOPMed below 0.00001; gnomAD exomes 0.00001.
gnomAD v4.1: 9 of 1,614,098 alleles (0.00056%); highest among the groups gnomAD compares: African/African-American, 0.0013%; no homozygotes.

Submissions (2):

Ambry Genetics
Classification: Uncertain significance for Hereditary cancer-predisposing syndrome. Last evaluated: 2025-05-28. Review status: criteria provided, single submitter. Criteria: Ambry Variant Classification Scheme 2023. Collection method: clinical testing. Allele origin: germline.
Comment: The p.P375S variant (also known as c.1123C>T), located in coding exon 7 of the DICER1 gene, results from a C to T substitution at nucleotide position 1123. The proline at codon 375 is replaced by serine, an amino acid with similar properties. This amino acid position is highly conserved in available vertebrate species. In addition, the in silico prediction for this alteration is inconclusive. Based on the available evidence, the clinical significance of this variant remains unclear.

Labcorp Genetics (formerly Invitae), Labcorp
Classification: Uncertain significance for DICER1-related tumor predisposition. Last evaluated: 2023-12-16. Review status: criteria provided, single submitter. Criteria: Invitae Variant Classification Sherloc (09022015). Collection method: clinical testing. Allele origin: germline.
Comment: This sequence change replaces proline, which is neutral and non-polar, with serine, which is neutral and polar, at codon 375 of the DICER1 protein (p.Pro375Ser). This variant is not present in population databases (gnomAD no frequency). This variant has not been reported in the literature in individuals affected with DICER1-related conditions. ClinVar contains an entry for this variant (Variation ID: 818380). Advanced modeling of protein sequence and biophysical properties (such as structural, functional, and spatial information, amino acid conservation, physicochemical variation, residue mobility, and thermodynamic stability) performed at Invitae indicates that this missense variant is not expected to disrupt DICER1 protein function with a negative predictive value of 80%. In summary, the available evidence is currently insufficient to determine the role of this variant in disease. Therefore, it has been classified as a Variant of Uncertain Significance.